The following is an entry in ClinVar:

NM_001972.4(ELANE):c.590T>C (p.Val197Ala)

Gene: ELANE (elastase, neutrophil expressed; plus strand). Cytogenetic location: 19p13.3.
Variant type: single nucleotide variant.
Coding change: c.590T>C on transcript NM_001972.4 (MANE Select); coding-DNA position 590, T replaced by C.
Protein change: p.Val197Ala; replaces valine 197 with alanine.
Molecular consequence: missense variant.
Genome position (GRCh38, 1-based): chr19:855,787, T>C. VCF-style: chr19-855787-T-C. GRCh37 (hg19) VCF-style: chr19-855787-T-C.
Other names: short protein forms V197A.
Identifiers: ClinVar variation 4870354 (VCV004870354.1).

ClinVar aggregate classification (germline): Uncertain significance (1 of 4 stars; one submission).

Conditions:
Inborn genetic diseases. Identifiers: MedGen C0950123, MeSH D030342.

Submission:

Ambry Genetics
Classification: Uncertain significance for Inborn genetic diseases. Last evaluated: 2026-04-22. Review status: criteria provided, single submitter. Criteria: Ambry Variant Classification Scheme 2023. Collection method: clinical testing. Allele origin: germline.
Comment: The p.V197A variant (also known as c.590T>C), located in coding exon 4 of the ELANE gene, results from a T to C substitution at nucleotide position 590. The valine at codon 197 is replaced by alanine, an amino acid with similar properties. This amino acid position is conserved. In addition, the in silico prediction for this alteration is inconclusive. Based on the available evidence, the clinical significance of this variant remains unclear.